The following is an entry in ClinVar:

ClinVar aggregate classification (germline): Uncertain significance (1 of 4 stars; one submission).

gnomAD v4.1: 4 of 1,613,678 alleles (0.00025%); highest among the groups gnomAD compares: Non-Finnish European, 0.00034%; no homozygotes.

Submission:

GeneDx
Classification: Uncertain significance. Last evaluated: 2023-06-26. Review status: criteria provided, single submitter. Criteria: GeneDx Variant Classification Process June 2021. Collection method: clinical testing. Allele origin: germline. Affected: yes.
Comment: In silico analysis supports that this missense variant has a deleterious effect on protein structure/function; Has not been previously published as pathogenic or benign to our knowledge

NM_001205293.3(CACNA1E):c.6543C>A (p.Ser2181Arg)

Gene: CACNA1E (calcium voltage-gated channel subunit alpha1 E; plus strand). Cytogenetic location: 1q25.3.
Variant type: single nucleotide variant.
Coding change: c.6543C>A on transcript NM_001205293.3 (MANE Select); coding-DNA position 6543, C replaced by A.
Protein change: p.Ser2181Arg; replaces serine 2181 with arginine.
Molecular consequence: missense variant.
Genome position (GRCh38, 1-based): chr1:181,798,435, C>A. VCF-style: chr1-181798435-C-A. GRCh37 (hg19) VCF-style: chr1-181767571-C-A.
Other names: c.6414C>A, p.Ser2138Arg (NM_000721.4); c.6357C>A, p.Ser2119Arg (NM_001205294.2); short protein forms S2119R, S2138R, S2181R.
Identifiers: ClinVar variation 3360172 (VCV003360172.1).